The following is an entry in ClinVar:

NM_015295.3(SMCHD1):c.1396A>T (p.Arg466Ter)

Gene: SMCHD1 (structural maintenance of chromosomes flexible hinge domain containing 1; plus strand). Cytogenetic location: 18p11.32.
Variant type: single nucleotide variant.
Coding change: c.1396A>T on transcript NM_015295.3 (MANE Select); coding-DNA position 1396, A replaced by T.
Protein change: p.Arg466Ter; replaces arginine 466 with a stop codon.
Molecular consequence: nonsense.
Genome position (GRCh38, 1-based): chr18:2,700,592, A>T. VCF-style: chr18-2700592-A-T. GRCh37 (hg19) VCF-style: chr18-2700590-A-T.
Other names: short protein forms R466*.
Identifiers: ClinVar variation 1457865 (VCV001457865.6), dbSNP rs2143182200, ClinGen allele CA401699021.

ClinVar aggregate classification (germline): Pathogenic (1 of 4 stars; one submission).

Conditions:
Facioscapulohumeral muscular dystrophy 2 (FSHD2). Also called: FACIOSCAPULOHUMERAL MUSCULAR DYSTROPHY 2, DIGENIC; FSHD2, DIGENIC; MUSCULAR DYSTROPHY, FACIOSCAPULOHUMERAL, TYPE 1B. Identifiers: Orphanet 269, MedGen C1834671, MONDO:0008031, OMIM 158901.

Submission:

Labcorp Genetics (formerly Invitae), Labcorp
Classification: Pathogenic for Facioscapulohumeral muscular dystrophy 2. Last evaluated: 2021-03-27. Review status: criteria provided, single submitter. Criteria: Invitae Variant Classification Sherloc (09022015). Collection method: clinical testing. Allele origin: germline.
Comment: This sequence change creates a premature translational stop signal (p.Arg466*) in the SMCHD1 gene. It is expected to result in an absent or disrupted protein product. Loss-of-function variants in SMCHD1 are known to be pathogenic (PMID: 23143600). This variant is not present in population databases (ExAC no frequency). This variant has not been reported in the literature in individuals with SMCHD1-related conditions. For these reasons, this variant has been classified as Pathogenic.

Literature cited by the submitters: PubMed 23143600.